The following is an entry in ClinVar:

ClinVar aggregate classification (germline): Likely benign. Review status: criteria provided, multiple submitters, no conflicts (2 of 4 stars). 3 submissions from 3 submitters: Likely benign (2). 1 of the submissions does not count toward it. Last evaluated 2025-10-07.

Conditions:
RAI1-related disorder. Also called: RAI1-related condition.
Inborn genetic diseases. Identifiers: MedGen C0950123, MeSH D030342.

Allele frequency attached by ClinVar (database versions not stated): gnomAD 0.00002 and 0.00003; gnomAD exomes 0.00002; ExAC 0.00003; TOPMed 0.00004; 1000 Genomes Project 30x 0.00016; 1000 Genomes Project 0.00020.
gnomAD v4.1: 43 of 1,594,722 alleles (0.0027%); highest among the groups gnomAD compares: African/African-American, 0.0067%; no homozygotes.

Submissions (3):

Labcorp Genetics (formerly Invitae), Labcorp
Classification: Likely benign. Last evaluated: 2025-10-07. Review status: criteria provided, single submitter. Criteria: Invitae Variant Classification Sherloc (09022015). Collection method: clinical testing. Allele origin: germline.

Ambry Genetics
Classification: Likely benign for Inborn genetic diseases. Last evaluated: 2016-08-18. Review status: criteria provided, single submitter. Criteria: Ambry Variant Classification Scheme 2023. Collection method: clinical testing. Allele origin: germline.

PreventionGenetics, part of Exact Sciences
Classification: Likely benign for RAI1-related condition. Last evaluated: 2022-08-16. Review status: no assertion criteria provided. Collection method: clinical testing. Allele origin: germline. Not counted in ClinVar's aggregate classification.
Comment: This variant is classified as likely benign based on ACMG/AMP sequence variant interpretation guidelines (Richards et al. 2015 PMID: 25741868, with internal and published modifications).

NM_030665.4(RAI1):c.2421C>T (p.Pro807=)

Gene: RAI1 (retinoic acid induced 1; plus strand). Cytogenetic location: 17p11.2.
Variant type: single nucleotide variant.
Coding change: c.2421C>T on transcript NM_030665.4 (MANE Select); coding-DNA position 2421, C replaced by T.
Protein change: p.Pro807=; no amino-acid change (proline 807 retained).
Molecular consequence: synonymous variant.
Genome position (GRCh38, 1-based): chr17:17,795,369, C>T. VCF-style: chr17-17795369-C-T. GRCh37 (hg19) VCF-style: chr17-17698683-C-T.
Identifiers: ClinVar variation 588185 (VCV000588185.15), dbSNP rs549007649, ClinGen allele CA8418533.